The following is an entry in ClinVar:

ClinVar aggregate classification (germline): Uncertain significance (1 of 4 stars; one submission).

Conditions:
Adams-Oliver syndrome 5 (AOS5). Identifiers: Orphanet 974, MedGen C4014970, MONDO:0014459, OMIM 616028.

Submission:

Labcorp Genetics (formerly Invitae), Labcorp
Classification: Uncertain significance for Adams-Oliver syndrome 5. Last evaluated: 2017-05-13. Review status: criteria provided, single submitter. Criteria: Invitae Variant Classification Sherloc (09022015). Collection method: clinical testing. Allele origin: germline.
Comment: In summary, this variant is a novel missense change with uncertain impact on protein function. It has been classified as a Variant of Uncertain Significance. Algorithms developed to predict the effect of missense changes on protein structure and function (SIFT, PolyPhen-2, Align-GVGD) all suggest that this variant is likely to be disruptive, but these predictions have not been confirmed by published functional studies. This variant is not present in population databases (ExAC no frequency) and has not been reported in the literature in individuals with a NOTCH1-related disease. This sequence change replaces glutamic acid with glutamine at codon 298 of the NOTCH1 protein (p.Glu298Gln). The glutamic acid residue is highly conserved and there is a small physicochemical difference between glutamic acid and glutamine.

NM_017617.5(NOTCH1):c.892G>C (p.Glu298Gln)

Gene: NOTCH1 (notch receptor 1; minus strand). Cytogenetic location: 9q34.3.
Variant type: single nucleotide variant.
Coding change: c.892G>C on transcript NM_017617.5 (MANE Select); coding-DNA position 892, G replaced by C.
Protein change: p.Glu298Gln; replaces glutamic acid 298 with glutamine.
Molecular consequence: missense variant.
Genome position (GRCh38, 1-based): chr9:136,518,798, C>G on the plus strand (G>C on the coding strand, the complement: NOTCH1 is on the minus strand). VCF-style: chr9-136518798-C-G. GRCh37 (hg19) VCF-style: chr9-139413250-C-G.
Other names: c.892G>C, p.Glu298Gln (LRG_1122t1); short protein forms E298Q.
Identifiers: ClinVar variation 409036 (VCV000409036.8), dbSNP rs1060502232, ClinGen allele CA16612838.